The following is an entry in ClinVar:

NM_194323.3(OTOF):c.3683T>C (p.Leu1228Pro)

Gene: OTOF (otoferlin; minus strand). Cytogenetic location: 2p23.3.
Variant type: single nucleotide variant.
Coding change: c.3683T>C on transcript NM_194323.3 (MANE Plus Clinical); coding-DNA position 3683, T replaced by C.
Protein change: p.Leu1228Pro; replaces leucine 1228 with proline.
Molecular consequence: missense variant. On other transcripts: 3 prime UTR variant (3).
Genome position (GRCh38, 1-based): chr2:26,458,050, A>G on the plus strand (T>C on the coding strand, the complement: OTOF is on the minus strand). VCF-style: chr2-26458050-A-G. GRCh37 (hg19) VCF-style: chr2-26680918-A-G.
Other names: c.5984T>C, p.Leu1995Pro (NM_001287489.2); c.*188T>C (NM_004802.4, NM_194248.3, NM_194322.3); short protein forms L1228P, L1995P.
Identifiers: ClinVar variation 4879902 (VCV004879902.1).

ClinVar aggregate classification (germline): Likely pathogenic (0 of 4 stars; one submission).

Conditions:
Autosomal recessive nonsyndromic hearing loss 9. Also called: NEUROSENSORY NONSYNDROMIC RECESSIVE DEAFNESS 9; OTOF-Related Hearing Loss; Deafness, autosomal recessive 9; AUDITORY NEUROPATHY, AUTOSOMAL RECESSIVE, 1, TEMPERATURE-SENSITIVE. Identifiers: Orphanet 90636, MedGen C1832828, MONDO:0010986, OMIM 601071.

gnomAD v4.1: 1 of 1,613,382 alleles (0.000062%); highest among the groups gnomAD compares: African/African-American, 0.0013%; no homozygotes.

Submission:

Diagnosis and Treatment Center of Genetic Hearing Loss, Eye & ENT Hospital of Fudan University
Classification: Likely pathogenic for Autosomal recessive nonsyndromic hearing loss 9. Last evaluated: 2026-02-04. Review status: no assertion criteria provided. Collection method: clinical testing, in vivo. Allele origin: germline, not applicable. Inheritance: Autosomal recessive inheritance. Affected: yes. Functional consequence: Overall loss-of-function.
Comment: The c.5984T>C (p.Leu1995Pro) variant in OTOF was reclassified as Likely Pathogenic based on PM2_Supporting (population frequency 6.37e‑7), PS3_Moderate (rescue experiments using an AAV‑hOTOF system demonstrated a deleterious effect), PM3 (detected in trans with a pathogenic variant in one proband), and PP4 (features of ANSD).